The following is an entry in ClinVar:

NM_006231.4(POLE):c.2536G>T (p.Ala846Ser)

Gene: POLE (DNA polymerase epsilon, catalytic subunit; minus strand). Cytogenetic location: 12q24.33.
Variant type: single nucleotide variant.
Coding change: c.2536G>T on transcript NM_006231.4 (MANE Select); coding-DNA position 2536, G replaced by T.
Protein change: p.Ala846Ser; replaces alanine 846 with serine.
Molecular consequence: missense variant.
Genome position (GRCh38, 1-based): chr12:132,664,395, C>A on the plus strand (G>T on the coding strand, the complement: POLE is on the minus strand). VCF-style: chr12-132664395-C-A. GRCh37 (hg19) VCF-style: chr12-133240981-C-A.
Other names: c.2536G>T (NM_006231.2); short protein forms A846S.
Identifiers: ClinVar variation 540810 (VCV000540810.8), dbSNP rs1555226498, ClinGen allele CA387396273.

ClinVar aggregate classification (germline): Uncertain significance. Review status: criteria provided, multiple submitters, no conflicts (2 of 4 stars). 2 submissions from 2 submitters: Uncertain significance (2). Last evaluated 2025-09-16.

Conditions:
Hereditary cancer-predisposing syndrome. Also called: Neoplastic Syndromes, Hereditary; Hereditary Cancer Syndrome; Hereditary neoplastic syndrome; Tumor predisposition. Identifiers: Orphanet 140162, MedGen C0027672, MeSH D009386, MONDO:0015356.

gnomAD v4.1: 1 of 1,614,032 alleles (0.000062%); highest among the groups gnomAD compares: South Asian, 0.0011%; no homozygotes.

Submissions (2):

Ambry Genetics
Classification: Uncertain significance for Hereditary cancer-predisposing syndrome. Last evaluated: 2025-09-16. Review status: criteria provided, single submitter. Criteria: Ambry Variant Classification Scheme 2023. Collection method: clinical testing. Allele origin: germline.
Comment: The p.A846S variant (also known as c.2536G>T), located in coding exon 22 of the POLE gene, results from a G to T substitution at nucleotide position 2536. The alanine at codon 846 is replaced by serine, an amino acid with similar properties. This amino acid position is highly conserved in available vertebrate species. In addition, the in silico prediction for this alteration is inconclusive. Based on the available evidence, the clinical significance of this variant remains unclear.

Labcorp Genetics (formerly Invitae), Labcorp
Classification: Uncertain significance. Last evaluated: 2024-06-10. Review status: criteria provided, single submitter. Criteria: Invitae Variant Classification Sherloc (09022015). Collection method: clinical testing. Allele origin: germline.
Comment: This sequence change replaces alanine, which is neutral and non-polar, with serine, which is neutral and polar, at codon 846 of the POLE protein (p.Ala846Ser). This variant is not present in population databases (gnomAD no frequency). This variant has not been reported in the literature in individuals affected with POLE-related conditions. ClinVar contains an entry for this variant (Variation ID: 540810). Advanced modeling of protein sequence and biophysical properties (such as structural, functional, and spatial information, amino acid conservation, physicochemical variation, residue mobility, and thermodynamic stability) performed at Invitae indicates that this missense variant is not expected to disrupt POLE protein function with a negative predictive value of 80%. In summary, the available evidence is currently insufficient to determine the role of this variant in disease. Therefore, it has been classified as a Variant of Uncertain Significance.